The following is an entry in ClinVar:

NM_002661.5(PLCG2):c.197A>C (p.Asp66Ala)

Gene: PLCG2 (phospholipase C gamma 2; plus strand). Cytogenetic location: 16q23.3.
Variant type: single nucleotide variant.
Coding change: c.197A>C on transcript NM_002661.5 (MANE Select); coding-DNA position 197, A replaced by C.
Protein change: p.Asp66Ala; replaces aspartic acid 66 with alanine.
Molecular consequence: missense variant.
Genome position (GRCh38, 1-based): chr16:81,854,447, A>C. VCF-style: chr16-81854447-A-C. GRCh37 (hg19) VCF-style: chr16-81888052-A-C.
Other names: c.197A>C, p.Asp66Ala (NM_001425749.1, NM_001425750.1, NM_001425751.1); short protein forms D66A.
Identifiers: ClinVar variation 3214516 (VCV003214516.3), dbSNP rs905896731, ClinGen allele CA285163592.

ClinVar aggregate classification (germline): Uncertain significance. Review status: criteria provided, multiple submitters, no conflicts (2 of 4 stars). 2 submissions from 2 submitters: Uncertain significance (2). Last evaluated 2024-07-29.

Conditions:
Familial cold autoinflammatory syndrome 3 (FCAS3). Also called: FAMILIAL ATYPICAL COLD URTICARIA; ANTIBODY DEFICIENCY AND IMMUNE DYSREGULATION, PLCG2-ASSOCIATED. Identifiers: Orphanet 300359, MedGen C3280914, MONDO:0013766, OMIM 614468.
Inborn genetic diseases. Identifiers: MedGen C0950123, MeSH D030342.

Allele frequency attached by ClinVar (database versions not stated): gnomAD 0.00001; TOPMed 0.00001.
gnomAD v4.1: 14 of 1,613,802 alleles (0.00087%); highest among the groups gnomAD compares: Middle Eastern, 0.033%; no homozygotes.

Submissions (2):

Labcorp Genetics (formerly Invitae), Labcorp
Classification: Uncertain significance for Familial cold autoinflammatory syndrome 3. Last evaluated: 2024-07-29. Review status: criteria provided, single submitter. Criteria: Invitae Variant Classification Sherloc (09022015). Collection method: clinical testing. Allele origin: germline.
Comment: This sequence change replaces aspartic acid, which is acidic and polar, with alanine, which is neutral and non-polar, at codon 66 of the PLCG2 protein (p.Asp66Ala). This variant is present in population databases (no rsID available, gnomAD 0.003%). This variant has not been reported in the literature in individuals affected with PLCG2-related conditions. An algorithm developed to predict the effect of missense changes on protein structure and function (PolyPhen-2) suggests that this variant is likely to be disruptive. In summary, the available evidence is currently insufficient to determine the role of this variant in disease. Therefore, it has been classified as a Variant of Uncertain Significance.

Ambry Genetics
Classification: Uncertain significance for Inborn genetic diseases. Last evaluated: 2023-12-21. Review status: criteria provided, single submitter. Criteria: Ambry Variant Classification Scheme 2023. Collection method: clinical testing. Allele origin: germline.